The following is an entry in ClinVar:

ClinVar aggregate classification (germline): Conflicting classifications of pathogenicity. Review status: criteria provided, conflicting classifications (1 of 4 stars). 8 submissions from 8 submitters: Uncertain significance (2); Benign (1); Likely benign (4). 1 of the submissions does not count toward it. Last evaluated 2026-08-06.

Conditions:
Autosomal dominant nonsyndromic hearing loss 65. Also called: TBC1D24-Related Autosomal Dominant Nonsyndromic Hearing Loss (DFNA); Deafness, autosomal dominant 65. Identifiers: Orphanet 90635, MedGen C3892048, MONDO:0014470, OMIM 616044.
Developmental and epileptic encephalopathy, 1 (DEE1). Also called: INFANTILE SPASM SYNDROME, X-LINKED 1; X-linked infantile spasms; West's syndrome; Tonic spasms with clustering, arrest of psychomotor development and hypsarrhythmia on EEG; X-Linked Infantile Spasm Syndrome; OHTAHARA SYNDROME, X-LINKED. Identifiers: MedGen C3463992, MONDO:0010632, OMIM 308350. Disease mechanism: loss of function.
TBC1D24-related disorder. Also called: TBC1D24-related condition; TBC1D24-related disorders. Identifiers: MedGen CN381194.
Inborn genetic diseases. Identifiers: MedGen C0950123, MeSH D030342.
Developmental and epileptic encephalopathy, 16 (DEE16). Also called: Early infantile epileptic encephalopathy 16; TBC1D24-Related Developmental and Epileptic Encephalopathy (DEE). Identifiers: Orphanet 293181, Orphanet 352596, MedGen C3809173, MONDO:0014133, OMIM 615338.
DOORS syndrome (DOORS). Also called: DEAFNESS, ONYCHODYSTROPHY, OSTEODYSTROPHY, IMPAIRED INTELLECTUAL DEVELOPMENT, AND SEIZURES SYNDROME; DOOR SYNDROME; DRC SYNDROME; BRACHYDACTYLY DUE TO ABSENCE OF DISTAL PHALANGES; ERONEN SYNDROME; DOORS Syndrome (Deafness, Onychodystrophy, Osteodystrophy, Mental Retardation, and Seizures). Identifiers: Orphanet 3231, Orphanet 79500, MedGen C0795934, MONDO:0009079, OMIM 220500. Disease mechanism: loss of function.

Allele frequency attached by ClinVar (database versions not stated): gnomAD exomes 0.00062; TOPMed 0.00148; ESP Exome Variant Server 0.00171; 1000 Genomes Project 30x 0.00078; gnomAD 0.00160 and 0.00152; 1000 Genomes Project 0.00080; ExAC 0.00066.

Submissions (8):

OLLIN Analises Genomicas, OLLIN
Classification: Uncertain significance for DOORS syndrome. Last evaluated: 2026-08-06. Review status: criteria provided, single submitter. Criteria: ACMG Guidelines 2015 PMID 25741868. Collection method: clinical testing. Allele origin: germline. Inheritance: Autosomal recessive inheritance.
Comment: This missense variant, located in exon 2 (of 8), has been reported in ClinVar (accession VCV000207484.28) and in gnomAD with an allele frequency of 0.041%. However, to our knowledge, it has not been reported in the scientific literature. In silico analysis predicts that this variant has a tolerated effect. According to the currently available evidence, this variant has been classified as uncertain significance (BP4_VS).

Labcorp Genetics (formerly Invitae), Labcorp
Classification: Likely benign for Developmental and epileptic encephalopathy, 1; Autosomal dominant nonsyndromic hearing loss 65. Last evaluated: 2026-01-27. Review status: criteria provided, single submitter. Criteria: Invitae Variant Classification Sherloc (09022015). Collection method: clinical testing. Allele origin: germline.

Blueprint Genetics
Classification: Likely benign. Last evaluated: 2024-04-16. Review status: criteria provided, single submitter. Criteria: ACMG Guidelines, 2015. Collection method: clinical testing. Allele origin: germline.

GeneDx
Classification: Likely benign. Last evaluated: 2020-07-31. Review status: criteria provided, single submitter. Criteria: GeneDx Variant Classification Process June 2021. Collection method: clinical testing. Allele origin: germline. Affected: yes.
Comment: This variant is associated with the following publications: (PMID: 24291220)

Ambry Genetics
Classification: Likely benign for Inborn genetic diseases. Last evaluated: 2018-10-11. Review status: criteria provided, single submitter. Criteria: Ambry Variant Classification Scheme 2023. Collection method: clinical testing. Allele origin: germline.

Mayo Clinic Laboratories, Mayo Clinic
Classification: Uncertain significance for Developmental and epileptic encephalopathy, 16. Last evaluated: 2016-09-06. Review status: criteria provided, single submitter. Criteria: ACMG Guidelines, 2015. Collection method: clinical testing. Allele origin: paternal.

Laboratory for Molecular Medicine, Mass General Brigham Personalized Medicine
Classification: Benign. Last evaluated: 2016-02-09. Review status: criteria provided, single submitter. Criteria: LMM Criteria. Collection method: clinical testing. Allele origin: germline. Observed: 3 variant alleles.
Comment: p.Gly165Ser in exon 2 of TBC1D24: This variant is not expected to have clinical significance because it has been identified in 0.5% (51/9574) of African chromos omes by the Exome Aggregation Consortium (ExAC; dbSNP rs200926225).

PreventionGenetics, part of Exact Sciences
Classification: Likely benign for TBC1D24-related condition. Last evaluated: 2021-01-28. Review status: no assertion criteria provided. Collection method: clinical testing. Allele origin: germline. Not counted in ClinVar's aggregate classification.
Comment: This variant is classified as likely benign based on ACMG/AMP sequence variant interpretation guidelines (Richards et al. 2015 PMID: 25741868, with internal and published modifications).

NM_001199107.2(TBC1D24):c.493G>A (p.Gly165Ser)

Gene: TBC1D24 (TBC1 domain family member 24; plus strand). Cytogenetic location: 16p13.3.
Variant type: single nucleotide variant.
Coding change: c.493G>A on transcript NM_001199107.2 (MANE Select); coding-DNA position 493, G replaced by A.
Protein change: p.Gly165Ser; replaces glycine 165 with serine.
Molecular consequence: missense variant.
Genome position (GRCh38, 1-based): chr16:2,496,641, G>A. VCF-style: chr16-2496641-G-A. GRCh37 (hg19) VCF-style: chr16-2546642-G-A.
Other names: p.G165S:GGC>AGC; c.493G>A, p.Gly165Ser (NM_020705.3); short protein forms G165S.
Identifiers: ClinVar variation 207484 (VCV000207484.30), dbSNP rs200926225, ClinGen allele CA318989.